The following is an entry in ClinVar:

ClinVar aggregate classification (germline): Uncertain significance (1 of 4 stars; one submission).

Submission:

GeneDx
Classification: Uncertain significance. Last evaluated: 2024-03-02. Review status: criteria provided, single submitter. Criteria: GeneDx Variant Classification Process June 2021. Collection method: clinical testing. Allele origin: germline. Affected: yes.
Comment: Not observed at significant frequency in large population cohorts (gnomAD); In silico analysis supports that this variant does not alter splicing; Has not been previously published as pathogenic or benign to our knowledge

NM_007259.5(VPS45):c.1677C>T (p.Ser559=)

Gene: VPS45 (vacuolar protein sorting 45 homolog; plus strand). Cytogenetic location: 1q21.2.
Variant type: single nucleotide variant.
Coding change: c.1677C>T on transcript NM_007259.5 (MANE Select); coding-DNA position 1677, C replaced by T.
Protein change: p.Ser559=; no amino-acid change (serine 559 retained).
Molecular consequence: synonymous variant. On other transcripts: missense variant (1), non-coding transcript variant (1).
Genome position (GRCh38, 1-based): chr1:150,144,760, C>T. VCF-style: chr1-150144760-C-T. GRCh37 (hg19) VCF-style: chr1-150116938-C-T.
Other names: c.1456C>T, p.Leu486Phe (NM_001279353.2); c.1569C>T, p.Ser523= (NM_001279354.2); short protein forms L486F.
Identifiers: ClinVar variation 3369608 (VCV003369608.1).